The following is an entry in ClinVar:

ClinVar aggregate classification (germline): Benign/Likely benign. Review status: criteria provided, multiple submitters, no conflicts (2 of 4 stars). 3 submissions from 3 submitters: Benign (1); Likely benign (1). 1 of the submissions does not count toward it. Last evaluated 2026-01-20.

Conditions:
SACS-related disorder. Also called: SACS-related condition.
Spastic paraplegia. Identifiers: MedGen C0037772, HP:0001258.

Allele frequency attached by ClinVar (database versions not stated): gnomAD 0.00001.
gnomAD v4.1: 66 of 1,613,734 alleles (0.0041%); highest among the groups gnomAD compares: South Asian, 0.07%; 1 homozygote.

Submissions (3):

Labcorp Genetics (formerly Invitae), Labcorp
Classification: Benign for Spastic paraplegia. Last evaluated: 2026-01-20. Review status: criteria provided, single submitter. Criteria: Invitae Variant Classification Sherloc (09022015). Collection method: clinical testing. Allele origin: germline.

Blueprint Genetics
Classification: Likely benign. Last evaluated: 2024-04-09. Review status: criteria provided, single submitter. Criteria: ACMG Guidelines, 2015. Collection method: clinical testing. Allele origin: germline.

PreventionGenetics, part of Exact Sciences
Classification: Likely benign for SACS-related condition. Last evaluated: 2020-01-02. Review status: no assertion criteria provided. Collection method: clinical testing. Allele origin: germline. Not counted in ClinVar's aggregate classification.
Comment: This variant is classified as likely benign based on ACMG/AMP sequence variant interpretation guidelines (Richards et al. 2015 PMID: 25741868, with internal and published modifications).

NM_014363.6(SACS):c.9972A>T (p.Leu3324=)

Gene: SACS (sacsin molecular chaperone; minus strand). Cytogenetic location: 13q12.12.
Variant type: single nucleotide variant.
Coding change: c.9972A>T on transcript NM_014363.6 (MANE Select); coding-DNA position 9972, A replaced by T.
Protein change: p.Leu3324=; no amino-acid change (leucine 3324 retained).
Molecular consequence: synonymous variant.
Genome position (GRCh38, 1-based): chr13:23,333,904, T>A on the plus strand (A>T on the coding strand, the complement: SACS is on the minus strand). VCF-style: chr13-23333904-T-A. GRCh37 (hg19) VCF-style: chr13-23908043-T-A.
Other names: c.9972A>T (NM_014363.5); c.9531A>T, p.Leu3177= (NM_001278055.2).
Identifiers: ClinVar variation 1168869 (VCV001168869.12), dbSNP rs772412510, ClinGen allele CA6910529.